The following is an entry in ClinVar:

NM_004408.4(DNM1):c.1025del (p.Lys342fs)

Gene: DNM1 (dynamin 1; plus strand). Cytogenetic location: 9q34.11.
Variant type: Deletion.
Coding change: c.1025del on transcript NM_004408.4 (MANE Select); coding-DNA position 1025, one base deleted (A; older notation c.1025delA).
Protein change: p.Lys342fs; shifts the reading frame from lysine 342.
Molecular consequence: frameshift variant.
Genome position (GRCh38, 1-based): chr9:128,222,493, A deleted; the last of 2 consecutive A bases (chr9:128,222,492-128,222,493); deleting either gives the same sequence. VCF-style (leftmost placement, unchanged base first): chr9-128222491-GA-G. GRCh37 (hg19) VCF-style: chr9-130984770-GA-G.
Other names: c.1025del, p.Lys342fs (NM_001005336.3, NM_001288737.2, NM_001288738.2 and 2 more transcripts); short protein forms K342fs.
Identifiers: ClinVar variation 1804287 (VCV001804287.1), dbSNP rs2538997325, ClinGen allele CA2580079693.

ClinVar aggregate classification (germline): Uncertain significance (1 of 4 stars; one submission).

Submission:

GeneDx
Classification: Uncertain significance. Last evaluated: 2022-06-16. Review status: criteria provided, single submitter. Criteria: GeneDx Variant Classification Process June 2021. Collection method: clinical testing. Allele origin: germline. Affected: yes.
Comment: Frameshift variant predicted to result in protein truncation or nonsense mediated decay in a gene for which loss-of-function is not a known mechanism of disease; Not observed at significant frequency in large population cohorts (gnomAD); Has not been previously published as pathogenic or benign to our knowledge